The following is an entry in ClinVar:

NM_201596.3(CACNB2):c.418A>C (p.Ile140Leu)

Gene: CACNB2 (calcium voltage-gated channel auxiliary subunit beta 2; plus strand). Cytogenetic location: 10p12.31.
Variant type: single nucleotide variant.
Coding change: c.418A>C on transcript NM_201596.3 (MANE Select); coding-DNA position 418, A replaced by C.
Protein change: p.Ile140Leu; replaces isoleucine 140 with leucine.
Molecular consequence: missense variant.
Genome position (GRCh38, 1-based): chr10:18,498,439, A>C. VCF-style: chr10-18498439-A-C. GRCh37 (hg19) VCF-style: chr10-18787368-A-C.
Other names: c.253A>C, p.Ile85Leu (NM_000724.4, NM_001330060.2); c.334A>C, p.Ile112Leu (NM_001167945.2, NM_201571.4, NM_201572.4); c.274A>C, p.Ile92Leu (NM_001410882.1, NM_201570.3); c.256A>C, p.Ile86Leu (NM_201590.3); c.418A>C, p.Ile140Leu (NM_201593.3, NM_201597.3); short protein forms I112L, I140L, I85L, I92L, I86L.
Identifiers: ClinVar variation 4825774 (VCV004825774.1).

ClinVar aggregate classification (germline): Uncertain significance (1 of 4 stars; one submission).

Conditions:
Cardiovascular phenotype. Identifiers: MedGen CN230736.

Submission:

Ambry Genetics
Classification: Uncertain significance for Cardiovascular phenotype. Last evaluated: 2026-03-12. Review status: criteria provided, single submitter. Criteria: Ambry Variant Classification Scheme 2023. Collection method: clinical testing. Allele origin: germline.
Comment: The p.I86L variant (also known as c.256A>C), located in coding exon 3 of the CACNB2 gene, results from an A to C substitution at nucleotide position 256. The isoleucine at codon 86 is replaced by leucine, an amino acid with highly similar properties. This amino acid position is conserved. In addition, the in silico prediction for this alteration is inconclusive. Based on the available evidence, the clinical significance of this variant remains unclear.